The following is an entry in ClinVar:

ClinVar aggregate classification (germline): Likely benign. Review status: criteria provided, multiple submitters, no conflicts (2 of 4 stars). 2 submissions from 2 submitters: Likely benign (2). Last evaluated 2018-01-12.

Conditions:
Weill-Marchesani 4 syndrome, recessive. Also called: Weill-Marchesani syndrome 4. Identifiers: Orphanet 363992, MedGen C2750787, MONDO:0013176, OMIM 613195.

Allele frequency attached by ClinVar (database versions not stated): 1000 Genomes Project 0.00419; TOPMed 0.01013; gnomAD exomes 0.01102; gnomAD 0.01125 and 0.01156.
gnomAD v4.1: 2,669 of 238,978 alleles (1.1%); highest among the groups gnomAD compares: Non-Finnish European, 1.7%; 25 homozygotes.

Submissions (2):

Illumina Laboratory Services, Illumina
Classification: Likely benign for Weill-Marchesani 4 syndrome, recessive. Last evaluated: 2018-01-12. Review status: criteria provided, single submitter. Criteria: ICSL Variant Classification Criteria 13 December 2019. Collection method: clinical testing. Allele origin: germline.
Comment: This variant was observed in the ICSL laboratory as part of a predisposition screen in an ostensibly healthy population. It had not been previously curated by ICSL or reported in the Human Gene Mutation Database (HGMD: prior to June 1st, 2018), and was therefore a candidate for classification through an automated scoring system. Utilizing variant allele frequency, disease prevalence and penetrance estimates, and inheritance mode, an automated score was calculated to assess if this variant is too frequent to cause the disease. Based on the score and internal cut-off values, a variant classified as likely benign is not then subjected to further curation. The score for this variant resulted in a classification of likely benign for this disease.

Breakthrough Genomics
Classification: Likely benign. Review status: criteria provided, single submitter. Criteria: ACMG Guidelines, 2015. Collection method: not provided. Allele origin: germline. Inheritance: Autosomal recessive inheritance. Affected: yes.

NM_139057.4(ADAMTS17):c.*474C>T

Gene: ADAMTS17 (ADAM metallopeptidase with thrombospondin type 1 motif 17; minus strand). Cytogenetic location: 15q26.3.
Variant type: single nucleotide variant.
Coding change: c.*474C>T on transcript NM_139057.4 (MANE Select); 474 bases downstream of the stop codon, C replaced by T.
Molecular consequence: 3 prime UTR variant.
Genome position (GRCh38, 1-based): chr15:99,973,928, G>A on the plus strand (C>T on the coding strand, the complement: ADAMTS17 is on the minus strand). VCF-style: chr15-99973928-G-A. GRCh37 (hg19) VCF-style: chr15-100514133-G-A.
Identifiers: ClinVar variation 885358 (VCV000885358.5), dbSNP rs117821788, ClinGen allele CA275485430.